The following is an entry in ClinVar:

ClinVar aggregate classification (germline): Uncertain significance (1 of 4 stars; one submission).

Allele frequency attached by ClinVar (database versions not stated): gnomAD exomes below 0.00001; ExAC 0.00001; gnomAD 0.00001; TOPMed 0.00001.
gnomAD v4.1: 4 of 1,614,004 alleles (0.00025%); highest among the groups gnomAD compares: African/African-American, 0.0027%; no homozygotes.

Submission:

Ambry Genetics
Classification: Uncertain significance. Last evaluated: 2022-10-04. Review status: criteria provided, single submitter. Criteria: Ambry Variant Classification Scheme 2023. Collection method: clinical testing. Allele origin: germline.
Comment: The p.G2028R variant (also known as c.6082G>A), located in coding exon 19 of the POLQ gene, results from a G to A substitution at nucleotide position 6082. The glycine at codon 2028 is replaced by arginine, an amino acid with dissimilar properties. This amino acid position is conserved. In addition, the in silico prediction for this alteration is inconclusive. Since supporting evidence is limited at this time, the clinical significance of this alteration remains unclear.

NM_199420.4(POLQ):c.6082G>A (p.Gly2028Arg)

Gene: POLQ (DNA polymerase theta; minus strand). Cytogenetic location: 3q13.33.
Variant type: single nucleotide variant.
Coding change: c.6082G>A on transcript NM_199420.4 (MANE Select); coding-DNA position 6082, G replaced by A.
Protein change: p.Gly2028Arg; replaces glycine 2028 with arginine.
Molecular consequence: missense variant.
Genome position (GRCh38, 1-based): chr3:121,481,701, C>T on the plus strand (G>A on the coding strand, the complement: POLQ is on the minus strand). VCF-style: chr3-121481701-C-T. GRCh37 (hg19) VCF-style: chr3-121200548-C-T.
Other names: short protein forms G2028R.
Identifiers: ClinVar variation 1751458 (VCV001751458.2), dbSNP rs777569422, ClinGen allele CA2562573.